The following is an entry in ClinVar:

NM_001330260.2(SCN8A):c.3858C>T (p.Tyr1286=)

Gene: SCN8A (sodium voltage-gated channel alpha subunit 8; plus strand). Cytogenetic location: 12q13.13.
Variant type: single nucleotide variant.
Coding change: c.3858C>T on transcript NM_001330260.2 (MANE Select); coding-DNA position 3858, C replaced by T.
Protein change: p.Tyr1286=; no amino-acid change (tyrosine 1286 retained).
Molecular consequence: synonymous variant. On other transcripts: intron variant (2).
Genome position (GRCh38, 1-based): chr12:51,780,687, C>T. VCF-style: chr12-51780687-C-T. GRCh37 (hg19) VCF-style: chr12-52174471-C-T.
Other names: c.3858C>T, p.Tyr1286= (NM_014191.4); c.3820-5855C>T (NM_001177984.3, NM_001369788.1).
Identifiers: ClinVar variation 3342516 (VCV003342516.1).

ClinVar aggregate classification (germline): Likely benign (1 of 4 stars; one submission).

Submission:

GeneDx
Classification: Likely benign. Last evaluated: 2022-07-12. Review status: criteria provided, single submitter. Criteria: GeneDx Variant Classification Process June 2021. Collection method: clinical testing. Allele origin: germline. Affected: yes.
Comment: See Variant Classification Assertion Criteria.